The following is an entry in ClinVar:

ClinVar aggregate classification (germline): Uncertain significance. Review status: criteria provided, multiple submitters, no conflicts (2 of 4 stars). 2 submissions from 2 submitters: Uncertain significance (2). Last evaluated 2026-01-17.

Conditions:
Ehlers-Danlos syndrome, kyphoscoliotic type 1 (EDSKSCL1). Also called: Ehlers-Danlos syndrome, hydroxylysine-deficient; EHLERS-DANLOS SYNDROME, TYPE VIA; PLOD1-Related Kyphoscoliotic Ehlers-Danlos Syndrome; EHLERS-DANLOS SYNDROME, OCULAR-SCOLIOTIC TYPE. Identifiers: Orphanet 1900, MedGen C0268342, MONDO:0016002, OMIM 225400. Disease mechanism: loss of function.
Familial thoracic aortic aneurysm and aortic dissection (TAAD). Also called: Thoracic aortic aneurysms and dissections. Identifiers: Orphanet 91387, MedGen C4707243, MONDO:0019625.

Allele frequency attached by ClinVar (database versions not stated): ExAC 0.00001; gnomAD exomes 0.00001 and 0.00002; TOPMed 0.00002.
gnomAD v4.1: 9 of 1,610,350 alleles (0.00056%); highest among the groups gnomAD compares: Admixed American, 0.01%; no homozygotes.

Submissions (2):

Ambry Genetics
Classification: Uncertain significance for Familial thoracic aortic aneurysm and aortic dissection. Last evaluated: 2026-01-17. Review status: criteria provided, single submitter. Criteria: Ambry Variant Classification Scheme 2023. Collection method: clinical testing. Allele origin: germline.
Comment: The p.P622S variant (also known as c.1864C>T), located in coding exon 17 of the PLOD1 gene, results from a C to T substitution at nucleotide position 1864. The proline at codon 622 is replaced by serine, an amino acid with similar properties. This amino acid position is conserved. In addition, this alteration is predicted to be deleterious by in silico analysis. Based on the available evidence, the clinical significance of this variant remains unclear.

Labcorp Genetics (formerly Invitae), Labcorp
Classification: Uncertain significance for Ehlers-Danlos syndrome, kyphoscoliotic type 1. Last evaluated: 2025-12-08. Review status: criteria provided, single submitter. Criteria: Invitae Variant Classification Sherloc (09022015). Collection method: clinical testing. Allele origin: germline.
Comment: This sequence change replaces proline, which is neutral and non-polar, with serine, which is neutral and polar, at codon 622 of the PLOD1 protein (p.Pro622Ser). This variant is present in population databases (rs761352524, gnomAD 0.01%). This variant has not been reported in the literature in individuals affected with PLOD1-related conditions. ClinVar contains an entry for this variant (Variation ID: 568946). Invitae Evidence Modeling of protein sequence and biophysical properties (such as structural, functional, and spatial information, amino acid conservation, physicochemical variation, residue mobility, and thermodynamic stability) has been performed for this missense variant. However, the output from this modeling did not meet the statistical confidence thresholds required to predict the impact of this variant on PLOD1 protein function. In summary, the available evidence is currently insufficient to determine the role of this variant in disease. Therefore, it has been classified as a Variant of Uncertain Significance.

NM_000302.4(PLOD1):c.1864C>T (p.Pro622Ser)

Gene: PLOD1 (procollagen-lysine,2-oxoglutarate 5-dioxygenase 1; plus strand). Cytogenetic location: 1p36.22.
Variant type: single nucleotide variant.
Coding change: c.1864C>T on transcript NM_000302.4 (MANE Select); coding-DNA position 1864, C replaced by T.
Protein change: p.Pro622Ser; replaces proline 622 with serine.
Molecular consequence: missense variant.
Genome position (GRCh38, 1-based): chr1:11,970,778, C>T. VCF-style: chr1-11970778-C-T. GRCh37 (hg19) VCF-style: chr1-12030835-C-T.
Other names: c.2005C>T, p.Pro669Ser (NM_001316320.2); short protein forms P622S, P669S.
Identifiers: ClinVar variation 568946 (VCV000568946.10), dbSNP rs761352524, ClinGen allele CA598588.